The following is an entry in ClinVar:

NM_004994.3(MMP9):c.997+179C>A

Gene: MMP9 (matrix metallopeptidase 9; plus strand). Cytogenetic location: 20q13.12.
Variant type: single nucleotide variant.
Coding change: c.997+179C>A on transcript NM_004994.3 (MANE Select); 179 bases into the intron after coding-DNA position 997, C replaced by A.
Molecular consequence: intron variant.
Genome position (GRCh38, 1-based): chr20:46,011,926, C>A. VCF-style: chr20-46011926-C-A. GRCh37 (hg19) VCF-style: chr20-44640565-C-A.
Identifiers: ClinVar variation 1707380 (VCV001707380.2), dbSNP rs3918255, ClinGen allele CA315635573.

ClinVar aggregate classification (germline): Likely benign (1 of 4 stars; one submission).

Allele frequency attached by ClinVar (database versions not stated): gnomAD 0.01201; TOPMed 0.01382; 1000 Genomes Project 30x 0.01749.
gnomAD v4.1: 1,811 of 152,344 alleles (1.2%); highest among the groups gnomAD compares: African/African-American, 4.2%; 37 homozygotes.

Submission:

GeneDx
Classification: Likely benign. Last evaluated: 2019-05-20. Review status: criteria provided, single submitter. Criteria: GeneDx Variant Classification Process June 2021. Collection method: clinical testing. Allele origin: germline. Affected: yes.
Comment: See Variant Classification Assertion Criteria.